The following is an entry in ClinVar:

NM_206933.4(USH2A):c.13267G>A (p.Ala4423Thr)

Gene: USH2A (usherin; minus strand). Cytogenetic location: 1q41.
Variant type: single nucleotide variant.
Coding change: c.13267G>A on transcript NM_206933.4 (MANE Select); coding-DNA position 13267, G replaced by A.
Protein change: p.Ala4423Thr; replaces alanine 4423 with threonine.
Molecular consequence: missense variant.
Genome position (GRCh38, 1-based): chr1:215,674,644, C>T on the plus strand (G>A on the coding strand, the complement: USH2A is on the minus strand). VCF-style: chr1-215674644-C-T. GRCh37 (hg19) VCF-style: chr1-215847986-C-T.
Other names: short protein forms A4423T.
Identifiers: ClinVar variation 2103897 (VCV002103897.4), dbSNP rs779595549, ClinGen allele CA1393322.

ClinVar aggregate classification (germline): Uncertain significance (1 of 4 stars; one submission).

Allele frequency attached by ClinVar (database versions not stated): gnomAD exomes below 0.00001; ExAC 0.00002.
gnomAD v4.1: 2 of 1,614,130 alleles (0.00012%); highest among the groups gnomAD compares: South Asian, 0.0022%; no homozygotes.

Submission:

Labcorp Genetics (formerly Invitae), Labcorp
Classification: Uncertain significance. Last evaluated: 2022-02-27. Review status: criteria provided, single submitter. Criteria: Invitae Variant Classification Sherloc (09022015). Collection method: clinical testing. Allele origin: germline.
Comment: In summary, the available evidence is currently insufficient to determine the role of this variant in disease. Therefore, it has been classified as a Variant of Uncertain Significance. Algorithms developed to predict the effect of missense changes on protein structure and function (SIFT, PolyPhen-2, Align-GVGD) all suggest that this variant is likely to be disruptive. This variant has not been reported in the literature in individuals affected with USH2A-related conditions. This variant is present in population databases (rs779595549, gnomAD 0.003%). This sequence change replaces alanine, which is neutral and non-polar, with threonine, which is neutral and polar, at codon 4423 of the USH2A protein (p.Ala4423Thr).